The following is an entry in ClinVar:

ClinVar aggregate classification (germline): Uncertain significance (1 of 4 stars; one submission).

Conditions:
Inborn genetic diseases. Identifiers: MedGen C0950123, MeSH D030342.

gnomAD v4.1: 1 of 1,614,152 alleles (0.000062%); highest among the groups gnomAD compares: Non-Finnish European, 0.000085%; no homozygotes.

Submission:

Ambry Genetics
Classification: Uncertain significance for Inborn genetic diseases. Last evaluated: 2021-02-22. Review status: criteria provided, single submitter. Criteria: Ambry Variant Classification Scheme 2023. Collection method: clinical testing. Allele origin: germline.
Comment: The c.6082T>G (p.L2028V) alteration is located in coding exon 20 of the ARID1B gene. This alteration results from a T to G substitution at nucleotide position 6082, causing the leucine (L) at amino acid position 2028 to be replaced by a valine (V). The p.L2028V alteration is predicted to be tolerated by in silico analysis. Based on insufficient or conflicting evidence, the clinical significance of this alteration remains unclear.

NM_001374828.1(ARID1B):c.6451T>G (p.Leu2151Val)

Gene: ARID1B (AT-rich interaction domain 1B; plus strand). Cytogenetic location: 6q25.3.
Variant type: single nucleotide variant.
Coding change: c.6451T>G on transcript NM_001374828.1 (MANE Select); coding-DNA position 6451, T replaced by G.
Protein change: p.Leu2151Val; replaces leucine 2151 with valine.
Molecular consequence: missense variant.
Genome position (GRCh38, 1-based): chr6:157,207,223, T>G. VCF-style: chr6-157207223-T-G. GRCh37 (hg19) VCF-style: chr6-157528357-T-G.
Other names: c.6202T>G, p.Leu2068Val (NM_001346813.1); c.3952T>G, p.Leu1318Val (NM_001363725.2); c.6331T>G, p.Leu2111Val (NM_001371656.1, NM_001374820.1); c.6292T>G, p.Leu2098Val (NM_017519.3); c.6082T>G, p.Leu2028Val (NM_020732.3); c.5869T>G, p.Leu1957Val (NM_175863.2); short protein forms L2151V, L2111V, L2068V, L1318V, L1957V, L2028V, L2098V.
Identifiers: ClinVar variation 2229394 (VCV002229394.2), dbSNP rs755163871, ClinGen allele CA366248311.